The following is an entry in ClinVar:

ClinVar aggregate classification (germline): Uncertain significance. Review status: criteria provided, multiple submitters, no conflicts (2 of 4 stars). 2 submissions from 2 submitters: Uncertain significance (2). Last evaluated 2025-05-25.

Conditions:
Inborn genetic diseases. Identifiers: MedGen C0950123, MeSH D030342.

Allele frequency attached by ClinVar (database versions not stated): gnomAD exomes 0.00003; 1000 Genomes Project 30x 0.00016; ExAC 0.00003; gnomAD 0.00011 and 0.00010; TOPMed 0.00012; 1000 Genomes Project 0.00020; ESP Exome Variant Server 0.00023.
gnomAD v4.1: 24 of 1,610,556 alleles (0.0015%); highest among the groups gnomAD compares: African/African-American, 0.031%; no homozygotes.

Submissions (2):

Ambry Genetics
Classification: Uncertain significance for Inborn genetic diseases. Last evaluated: 2025-05-25. Review status: criteria provided, single submitter. Criteria: Ambry Variant Classification Scheme 2023. Collection method: clinical testing. Allele origin: germline.

Labcorp Genetics (formerly Invitae), Labcorp
Classification: Uncertain significance. Last evaluated: 2022-07-27. Review status: criteria provided, single submitter. Criteria: Invitae Variant Classification Sherloc (09022015). Collection method: clinical testing. Allele origin: germline.
Comment: This sequence change replaces isoleucine, which is neutral and non-polar, with valine, which is neutral and non-polar, at codon 204 of the CD40 protein (p.Ile204Val). This variant is present in population databases (rs143037975, gnomAD 0.03%). This variant has not been reported in the literature in individuals affected with CD40-related conditions. ClinVar contains an entry for this variant (Variation ID: 636399). Algorithms developed to predict the effect of missense changes on protein structure and function output the following: SIFT: "Tolerated"; PolyPhen-2: "Benign"; Align-GVGD: "Class C0". The valine amino acid residue is found in multiple mammalian species, which suggests that this missense change does not adversely affect protein function. In summary, the available evidence is currently insufficient to determine the role of this variant in disease. Therefore, it has been classified as a Variant of Uncertain Significance.

NM_001250.6(CD40):c.610A>G (p.Ile204Val)

Gene: CD40 (CD40 molecule; plus strand). Cytogenetic location: 20q13.12.
Variant type: single nucleotide variant.
Coding change: c.610A>G on transcript NM_001250.6 (MANE Select); coding-DNA position 610, A replaced by G.
Protein change: p.Ile204Val; replaces isoleucine 204 with valine.
Molecular consequence: missense variant. On other transcripts: non-coding transcript variant (2).
Genome position (GRCh38, 1-based): chr20:46,128,188, A>G. VCF-style: chr20-46128188-A-G. GRCh37 (hg19) VCF-style: chr20-44756827-A-G.
Other names: c.650A>G, p.Asp217Gly (NM_001302753.2); c.610A>G, p.Ile204Val (NM_001322421.2, NM_001362758.2); c.454A>G, p.Ile152Val (NM_001322422.2); c.548A>G, p.Asp183Gly (NM_152854.4); c.610A>G (NM_001250.4); short protein forms D183G, I204V, I152V, D217G.
Identifiers: ClinVar variation 636399 (VCV000636399.7), dbSNP rs143037975, ClinGen allele CA9888529.